The following is an entry in ClinVar:

ClinVar aggregate classification (germline): Uncertain significance (1 of 4 stars; one submission).

Conditions:
Glycogen storage disease, type II (IOPD). Also called: Pompe Disease; Glucosidase acid-1,4-alpha deficiency; CARDIOMEGALIA GLYCOGENICA DIFFUSA; POMPE DISEASE, INFANTILE-ONSET; GLYCOGEN STORAGE DISEASE II, INFANTILE-ONSET; ACID ALPHA-GLUCOSIDASE DEFICIENCY, INFANTILE-ONSET. Identifiers: Orphanet 365, MedGen C0017921, MONDO:0009290, OMIM 232300.

Submission:

Labcorp Genetics (formerly Invitae), Labcorp
Classification: Uncertain significance for Glycogen storage disease, type II. Last evaluated: 2026-01-05. Review status: criteria provided, single submitter. Criteria: Invitae Variant Classification Sherloc (09022015). Collection method: clinical testing. Allele origin: germline.
Comment: This sequence change falls in intron 19 of the GAA gene. It does not directly change the encoded amino acid sequence of the GAA protein. It affects a nucleotide within the consensus splice site. This variant is not present in population databases (gnomAD no frequency). This variant has not been reported in the literature in individuals affected with GAA-related conditions. ClinVar contains an entry for this variant (Variation ID: 2107404). Variants that disrupt the consensus splice site are a relatively common cause of aberrant splicing (PMID: 17576681, 9536098). Algorithms developed to predict the effect of sequence changes on RNA splicing suggest that this variant may disrupt the consensus splice site. In summary, the available evidence is currently insufficient to determine the role of this variant in disease. Therefore, it has been classified as a Variant of Uncertain Significance.

Literature cited by the submitters: PubMed 17576681; PubMed 9536098.

NM_000152.5(GAA):c.2799+4A>T

Gene: GAA (alpha glucosidase; plus strand). Cytogenetic location: 17q25.3.
Variant type: single nucleotide variant.
Coding change: c.2799+4A>T on transcript NM_000152.5 (MANE Select); 4 bases into the intron after coding-DNA position 2799, A replaced by T.
Molecular consequence: intron variant.
Genome position (GRCh38, 1-based): chr17:80,118,809, A>T. VCF-style: chr17-80118809-A-T. GRCh37 (hg19) VCF-style: chr17-78092608-A-T.
Other names: c.2799+4A>T (NM_001079803.3, NM_001079804.3).
Identifiers: ClinVar variation 2107404 (VCV002107404.4), dbSNP rs778032599, ClinGen allele CA2580095392.